The following is an entry in ClinVar:

NM_000059.4(BRCA2):c.8203C>A (p.Pro2735Thr)

Gene: BRCA2 (BRCA2 DNA repair associated; plus strand). Cytogenetic location: 13q13.1.
Variant type: single nucleotide variant.
Coding change: c.8203C>A on transcript NM_000059.4 (MANE Select); coding-DNA position 8203, C replaced by A.
Protein change: p.Pro2735Thr; replaces proline 2735 with threonine.
Molecular consequence: missense variant.
Genome position (GRCh38, 1-based): chr13:32,363,405, C>A. VCF-style: chr13-32363405-C-A. GRCh37 (hg19) VCF-style: chr13-32937542-C-A.
Other names: c.8203C>A (NM_000059.3); short protein forms P2735T.
Identifiers: ClinVar variation 1484491 (VCV001484491.14), dbSNP rs1247198934, ClinGen allele CA387749741.

ClinVar aggregate classification (germline): Conflicting classifications of pathogenicity. Review status: criteria provided, conflicting classifications (1 of 4 stars). 3 submissions from 3 submitters: Uncertain significance (2); Likely benign (1). Last evaluated 2025-05-08.

Conditions:
Hereditary cancer-predisposing syndrome. Also called: Hereditary neoplastic syndrome; Neoplastic Syndromes, Hereditary; Hereditary Cancer Syndrome; Tumor predisposition. Identifiers: Orphanet 140162, MedGen C0027672, MeSH D009386, MONDO:0015356.
Hereditary breast ovarian cancer syndrome. Also called: Hereditary breast and/or ovarian cancer syndrome; Hereditary breast and ovarian cancer syndrome (HBOC); Breast and ovarian cancer; Hereditary breast and ovarian cancer; Hereditary breast and ovarian cancer syndrome; BRCA1- and BRCA2-Associated Hereditary Breast and Ovarian Cancer. Identifiers: Orphanet 145, MedGen C0677776, MeSH D061325, MONDO:0003582. Disease mechanism: loss of function.

Allele frequency attached by ClinVar (database versions not stated): gnomAD exomes below 0.00001.
gnomAD v4.1: 1 of 1,614,148 alleles (0.000062%); highest among the groups gnomAD compares: Admixed American, 0.0017%; no homozygotes.

Submissions (3):

Ambry Genetics
Classification: Likely benign for Hereditary cancer-predisposing syndrome. Last evaluated: 2025-05-08. Review status: criteria provided, single submitter. Criteria: Ambry Variant Classification Scheme 2023. Collection method: clinical testing. Allele origin: germline.

Women's Health and Genetics/Laboratory Corporation of America, LabCorp
Classification: Uncertain significance. Last evaluated: 2025-02-02. Review status: criteria provided, single submitter. Criteria: LabCorp Variant Classification Summary - May 2015. Collection method: clinical testing. Allele origin: germline.

Labcorp Genetics (formerly Invitae), Labcorp
Classification: Uncertain significance for Hereditary breast ovarian cancer syndrome. Last evaluated: 2022-08-21. Review status: criteria provided, single submitter. Criteria: Invitae Variant Classification Sherloc (09022015). Collection method: clinical testing. Allele origin: germline.
Comment: In summary, the available evidence is currently insufficient to determine the role of this variant in disease. Therefore, it has been classified as a Variant of Uncertain Significance. Advanced modeling of protein sequence and biophysical properties (such as structural, functional, and spatial information, amino acid conservation, physicochemical variation, residue mobility, and thermodynamic stability) performed at Invitae indicates that this missense variant is not expected to disrupt BRCA2 protein function. ClinVar contains an entry for this variant (Variation ID: 1484491). This variant has not been reported in the literature in individuals affected with BRCA2-related conditions. This variant is present in population databases (no rsID available, gnomAD 0.003%). This sequence change replaces proline, which is neutral and non-polar, with threonine, which is neutral and polar, at codon 2735 of the BRCA2 protein (p.Pro2735Thr).